The following is an entry in ClinVar:

ClinVar aggregate classification (germline): Uncertain significance (1 of 4 stars; one submission).

gnomAD v4.1: 1 of 1,613,446 alleles (0.000062%); highest among the groups gnomAD compares: Admixed American, 0.0017%; no homozygotes.

Submission:

Labcorp Genetics (formerly Invitae), Labcorp
Classification: Uncertain significance. Last evaluated: 2022-01-27. Review status: criteria provided, single submitter. Criteria: Invitae Variant Classification Sherloc (09022015). Collection method: clinical testing. Allele origin: germline.
Comment: This sequence change replaces histidine, which is basic and polar, with glutamine, which is neutral and polar, at codon 112 of the ATOH7 protein (p.His112Gln). This variant is present in population databases (no rsID available, gnomAD 0.003%). In summary, the available evidence is currently insufficient to determine the role of this variant in disease. Therefore, it has been classified as a Variant of Uncertain Significance. Algorithms developed to predict the effect of missense changes on protein structure and function are either unavailable or do not agree on the potential impact of this missense change (SIFT: "Deleterious"; PolyPhen-2: "Benign"; Align-GVGD: "Class C0"). This variant has not been reported in the literature in individuals affected with ATOH7-related conditions.

NM_145178.4(ATOH7):c.336C>G (p.His112Gln)

Gene: ATOH7 (atonal bHLH transcription factor 7; minus strand). Cytogenetic location: 10q21.3.
Variant type: single nucleotide variant.
Coding change: c.336C>G on transcript NM_145178.4 (MANE Select); coding-DNA position 336, C replaced by G.
Protein change: p.His112Gln; replaces histidine 112 with glutamine.
Molecular consequence: missense variant.
Genome position (GRCh38, 1-based): chr10:68,231,342, G>C on the plus strand (C>G on the coding strand, the complement: ATOH7 is on the minus strand). VCF-style: chr10-68231342-G-C. GRCh37 (hg19) VCF-style: chr10-69991099-G-C.
Other names: short protein forms H112Q.
Identifiers: ClinVar variation 1395672 (VCV001395672.8), dbSNP rs201955526, ClinGen allele CA376835535.
Genomic context (GRCh38, chr10:68,231,342, plus strand): 5'-CTCGCCCGGCAGCTTCGCGCCCGGGAACGGGAGGTAGTGGTCGCGGCCGAAGTGCTCACA[G>C]TGGAGACCCACCCAGTCCCGCTCCGAGCCGAATCGCTCGGCCTCGGCCAGGATCCGGGTC-3'
Protein context (NP_660161.1, residues 102-122): FGSERDWVGL[His112Gln]CEHFGRDHYL